The following is an entry in ClinVar:

ClinVar aggregate classification (germline): Uncertain significance. Review status: criteria provided, multiple submitters, no conflicts (2 of 4 stars). 3 submissions from 3 submitters: Uncertain significance (3). Last evaluated 2025-04-13.

Conditions:
Inborn genetic diseases. Identifiers: MedGen C0950123, MeSH D030342.
Combined immunodeficiency due to LRBA deficiency. Also called: Common variable immunodeficiency 8, with autoimmunity. Identifiers: Orphanet 445018, MedGen C3553512, MONDO:0013863, OMIM 614700.

Allele frequency attached by ClinVar (database versions not stated): gnomAD exomes below 0.00001 and 0.00001; TOPMed 0.00004; gnomAD 0.00006; ESP Exome Variant Server 0.00008.
gnomAD v4.1: 20 of 1,613,982 alleles (0.0012%); highest among the groups gnomAD compares: African/African-American, 0.004%; no homozygotes.

Submissions (3):

Ambry Genetics
Classification: Uncertain significance for Inborn genetic diseases. Last evaluated: 2025-04-13. Review status: criteria provided, single submitter. Criteria: Ambry Variant Classification Scheme 2023. Collection method: clinical testing. Allele origin: germline.

CeGaT Center for Human Genetics Tuebingen
Classification: Uncertain significance. Last evaluated: 2022-10-01. Review status: criteria provided, single submitter. Criteria: CeGaT Center For Human Genetics Tuebingen Variant Classification Criteria Version 2. Collection method: clinical testing. Allele origin: germline. Affected: yes. Observed: 1 variant allele.
Comment: LRBA: PM2, BP4

Labcorp Genetics (formerly Invitae), Labcorp
Classification: Uncertain significance for Combined immunodeficiency due to LRBA deficiency. Last evaluated: 2021-06-07. Review status: criteria provided, single submitter. Criteria: Invitae Variant Classification Sherloc (09022015). Collection method: clinical testing. Allele origin: germline.
Comment: In summary, the available evidence is currently insufficient to determine the role of this variant in disease. Therefore, it has been classified as a Variant of Uncertain Significance. Algorithms developed to predict the effect of missense changes on protein structure and function (SIFT, PolyPhen-2, Align-GVGD) all suggest that this variant is likely to be tolerated, but these predictions have not been confirmed by published functional studies and their clinical significance is uncertain. This variant has not been reported in the literature in individuals with LRBA-related conditions. This variant is not present in population databases (ExAC no frequency). This sequence change replaces serine with leucine at codon 1598 of the LRBA protein (p.Ser1598Leu). The serine residue is weakly conserved and there is a large physicochemical difference between serine and leucine.

NM_001364905.1(LRBA):c.4793C>T (p.Ser1598Leu)

Gene: LRBA (LPS responsive beige-like anchor protein; minus strand). Cytogenetic location: 4q31.3.
Variant type: single nucleotide variant.
Coding change: c.4793C>T on transcript NM_001364905.1 (MANE Select); coding-DNA position 4793, C replaced by T.
Protein change: p.Ser1598Leu; replaces serine 1598 with leucine.
Molecular consequence: missense variant.
Genome position (GRCh38, 1-based): chr4:150,828,558, G>A on the plus strand (C>T on the coding strand, the complement: LRBA is on the minus strand). VCF-style: chr4-150828558-G-A. GRCh37 (hg19) VCF-style: chr4-151749710-G-A.
Other names: c.4793C>T, p.Ser1598Leu (NM_001199282.3, NM_001367550.1, NM_006726.5); short protein forms S1598L.
Identifiers: ClinVar variation 1448158 (VCV001448158.34), dbSNP rs370438098, ClinGen allele CA107799883.